The following is an entry in ClinVar:

NM_000520.6(HEXA):c.1421G>A (p.Trp474Ter)

Gene: HEXA (hexosaminidase subunit alpha; minus strand). Cytogenetic location: 15q23.
Variant type: single nucleotide variant.
Coding change: c.1421G>A on transcript NM_000520.6 (MANE Select); coding-DNA position 1421, G replaced by A.
Protein change: p.Trp474Ter; replaces tryptophan 474 with a stop codon.
Molecular consequence: nonsense. On other transcripts: non-coding transcript variant (1).
Genome position (GRCh38, 1-based): chr15:72,346,235, C>T on the plus strand (G>A on the coding strand, the complement: HEXA is on the minus strand). VCF-style: chr15-72346235-C-T. GRCh37 (hg19) VCF-style: chr15-72638576-C-T.
Other names: c.1454G>A, p.Trp485Ter (NM_001318825.2); short protein forms W474*, W485*.
Identifiers: ClinVar variation 371169 (VCV000371169.8), dbSNP rs762374961, ClinGen allele CA16041733.

ClinVar aggregate classification (germline): Pathogenic. Review status: criteria provided, single submitter (1 of 4 stars). 3 submissions from 3 submitters: Pathogenic (1). 2 of the submissions do not count toward it. Last evaluated 2023-06-13.

Conditions:
Tay-Sachs disease (TSD). Also called: HEXA DEFICIENCY; HEXA Disorders; Hexosaminidase A Deficiency; GM2 gangliosidosis, type 1; Hexosaminidase alpha-subunit deficiency (variant B); Sphingolipidosis, Tay-Sachs. Identifiers: Orphanet 845, MedGen C0039373, MONDO:0010100, OMIM 272800.

gnomAD v4.1: 1 of 1,612,836 alleles (0.000062%); highest among the groups gnomAD compares: South Asian, 0.0011%; no homozygotes.

Submissions (3):

Labcorp Genetics (formerly Invitae), Labcorp
Classification: Pathogenic for Tay-Sachs disease. Last evaluated: 2023-06-13. Review status: criteria provided, single submitter. Criteria: Invitae Variant Classification Sherloc (09022015). Collection method: clinical testing. Allele origin: germline.
Comment: Algorithms developed to predict the effect of sequence changes on RNA splicing suggest that this variant may disrupt the consensus splice site. For these reasons, this variant has been classified as Pathogenic. ClinVar contains an entry for this variant (Variation ID: 371169). This premature translational stop signal has been observed in individual(s) with lysosomal storage disorders (PMID: 23852624). This variant is not present in population databases (gnomAD no frequency). This sequence change creates a premature translational stop signal (p.Trp474*) in the HEXA gene. It is expected to result in an absent or disrupted protein product. Loss-of-function variants in HEXA are known to be pathogenic (PMID: 1833974, 8490625).

Counsyl
Classification: Likely pathogenic for Tay-Sachs disease. Last evaluated: 2016-07-19. Review status: no assertion criteria provided. Collection method: clinical testing. Allele origin: unknown. Not counted in ClinVar's aggregate classification.

Foundation for Research in Genetics and Endocrinology, FRIGE's Institute of Human Genetics
Classification: Pathogenic for Tay-Sachs disease. Last evaluated: 2012-07-07. Review status: no assertion criteria provided. Collection method: research. Allele origin: germline. Inheritance: Autosomal recessive inheritance. Affected: yes. Observed: 1 homozygote. Not counted in ClinVar's aggregate classification.

Literature cited by the submitters: PubMed 23852624 (cited by 3 submitters); PubMed 1833974 (cited by Labcorp Genetics (formerly Invitae), Labcorp); PubMed 8490625 (cited by Labcorp Genetics (formerly Invitae), Labcorp).